The following is an entry in ClinVar:

NM_000373.4(UMPS):c.982+1G>C

Gene: UMPS (uridine monophosphate synthetase; plus strand). Cytogenetic location: 3q21.2.
Variant type: single nucleotide variant.
Coding change: c.982+1G>C on transcript NM_000373.4 (MANE Select); the canonical splice donor site of the intron after coding-DNA position 982, G replaced by C.
Molecular consequence: splice donor variant.
Genome position (GRCh38, 1-based): chr3:124,738,240, G>C. VCF-style: chr3-124738240-G-C. GRCh37 (hg19) VCF-style: chr3-124457087-G-C.
Identifiers: ClinVar variation 529220 (VCV000529220.7), dbSNP rs1553748674, ClinGen allele CA354279066.

ClinVar aggregate classification (germline): Uncertain significance (1 of 4 stars; one submission).

Conditions:
Hereditary orotic aciduria, type 1. Also called: Orotic aciduria type 1; Oroticaciduria 1. Identifiers: MedGen C0268130.

Allele frequency attached by ClinVar (database versions not stated): TOPMed below 0.00001.

Submission:

Labcorp Genetics (formerly Invitae), Labcorp
Classification: Uncertain significance for Hereditary orotic aciduria, type 1. Last evaluated: 2017-11-24. Review status: criteria provided, single submitter. Criteria: Invitae Variant Classification Sherloc (09022015). Collection method: clinical testing. Allele origin: germline.
Comment: This variant is not present in population databases (ExAC no frequency). This sequence change affects a donor splice site in intron 3 of the UMPS gene. It is expected to disrupt RNA splicing and likely results in an absent or disrupted protein product. In summary, the available evidence is currently insufficient to determine the role of this variant in disease. Therefore, it has been classified as a Variant of Uncertain Significance. The current clinical and genetic evidence is not sufficient to establish whether loss-of-function variants in UMPS cause disease. Algorithms developed to predict the effect of sequence changes on RNA splicing suggest that this variant may disrupt the consensus splice site, but this prediction has not been confirmed by published transcriptional studies. This variant has not been reported in the literature in individuals with UMPS-related disease.